The following is an entry in ClinVar:

ClinVar aggregate classification (germline): Uncertain significance (1 of 4 stars; one submission).

Conditions:
Rhabdoid tumor predisposition syndrome 2 (RTPS2). Identifiers: Orphanet 231108, Orphanet 69077, MedGen C2750074, MONDO:0013224, OMIM 613325.

Submission:

Labcorp Genetics (formerly Invitae), Labcorp
Classification: Uncertain significance for Rhabdoid tumor predisposition syndrome 2. Last evaluated: 2022-05-27. Review status: criteria provided, single submitter. Criteria: Invitae Variant Classification Sherloc (09022015). Collection method: clinical testing. Allele origin: germline.
Comment: In summary, the available evidence is currently insufficient to determine the role of this variant in disease. Therefore, it has been classified as a Variant of Uncertain Significance. Algorithms developed to predict the effect of missense changes on protein structure and function are either unavailable or do not agree on the potential impact of this missense change (SIFT: "Deleterious"; PolyPhen-2: "Benign"; Align-GVGD: "Class C65"). This variant has not been reported in the literature in individuals affected with SMARCA4-related conditions. This variant is not present in population databases (gnomAD no frequency). This sequence change replaces threonine, which is neutral and polar, with isoleucine, which is neutral and non-polar, at codon 353 of the SMARCA4 protein (p.Thr353Ile).

NM_003072.5(SMARCA4):c.1058C>T (p.Thr353Ile)

Gene: SMARCA4 (SWI/SNF related BAF chromatin remodeling complex subunit ATPase 4; plus strand). Cytogenetic location: 19p13.2.
Variant type: single nucleotide variant.
Coding change: c.1058C>T on transcript NM_003072.5 (MANE Select); coding-DNA position 1058, C replaced by T.
Protein change: p.Thr353Ile; replaces threonine 353 with isoleucine.
Molecular consequence: missense variant. On other transcripts: non-coding transcript variant (1).
Genome position (GRCh38, 1-based): chr19:10,987,864, C>T. VCF-style: chr19-10987864-C-T. GRCh37 (hg19) VCF-style: chr19-11098540-C-T.
Other names: c.1058C>T, p.Thr353Ile (NM_001128844.3, NM_001128845.2, NM_001128846.2 and 5 more transcripts); short protein forms T353I.
Identifiers: ClinVar variation 1465376 (VCV001465376.8), dbSNP rs2145820918, ClinGen allele CA404058730.